The following is an entry in ClinVar:

NM_144773.4(PROKR2):c.767C>G (p.Pro256Arg)

Gene: PROKR2 (prokineticin receptor 2; minus strand). Cytogenetic location: 20p12.3.
Variant type: single nucleotide variant.
Coding change: c.767C>G on transcript NM_144773.4 (MANE Select); coding-DNA position 767, C replaced by G.
Protein change: p.Pro256Arg; replaces proline 256 with arginine.
Molecular consequence: missense variant.
Genome position (GRCh38, 1-based): chr20:5,302,428, G>C on the plus strand (C>G on the coding strand, the complement: PROKR2 is on the minus strand). VCF-style: chr20-5302428-G-C. GRCh37 (hg19) VCF-style: chr20-5283074-G-C.
Other names: short protein forms P256R.
Identifiers: ClinVar variation 5001120 (VCV005001120.1).

ClinVar aggregate classification (germline): Uncertain significance (1 of 4 stars; one submission).

Conditions:
PROKR2-related disorder. Also called: PROKR2-related condition.

Submission:

PreventionGenetics, part of Exact Sciences
Classification: Uncertain significance for PROKR2-related condition. Last evaluated: 2024-12-23. Review status: criteria provided, single submitter. Criteria: ACMG Guidelines, 2015. Collection method: clinical testing. Allele origin: germline.
Comment: The PROKR2 c.767C>G variant is predicted to result in the amino acid substitution p.Pro256Arg. To our knowledge, this variant has not been reported in the literature or in a large population database (gnomAD), indicating this variant is rare. At this time, the clinical significance of this variant is uncertain due to the absence of conclusive functional and genetic evidence.